The following is an entry in ClinVar:

ClinVar aggregate classification (germline): Likely benign (0 of 4 stars; one submission).

Conditions:
DMXL1-related disorder. Also called: DMXL1-related condition.

Allele frequency attached by ClinVar (database versions not stated): 1000 Genomes Project 0.00060; 1000 Genomes Project 30x 0.00078; gnomAD 0.00096; TOPMed 0.00097; ExAC 0.00101; ESP Exome Variant Server 0.00123; gnomAD exomes 0.00150.
gnomAD v4.1: 2,304 of 1,604,528 alleles (0.14%); highest among the groups gnomAD compares: Non-Finnish European, 0.18%; 2 homozygotes.

Submission:

PreventionGenetics, part of Exact Sciences
Classification: Likely benign for DMXL1-related condition. Last evaluated: 2019-03-28. Review status: no assertion criteria provided. Collection method: clinical testing. Allele origin: germline.
Comment: This variant is classified as likely benign based on ACMG/AMP sequence variant interpretation guidelines (Richards et al. 2015 PMID: 25741868, with internal and published modifications).

NM_001290321.3(DMXL1):c.7543+6A>G

Gene: DMXL1 (Dmx like 1; plus strand). Cytogenetic location: 5q23.1.
Variant type: single nucleotide variant.
Coding change: c.7543+6A>G on transcript NM_001290321.3 (MANE Select); 6 bases into the intron after coding-DNA position 7543, A replaced by G.
Molecular consequence: intron variant.
Genome position (GRCh38, 1-based): chr5:119,196,462, A>G. VCF-style: chr5-119196462-A-G. GRCh37 (hg19) VCF-style: chr5-118532157-A-G.
Other names: c.7543+6A>G (NM_001349240.2, NM_005509.6, NM_001349239.2 and 1 more transcripts); c.6556+6A>G (NM_001387938.1); c.6838+6A>G (NM_001387937.1); c.7351+6A>G (NM_001387934.1).
Identifiers: ClinVar variation 3042597 (VCV003042597.2), dbSNP rs199503677, ClinGen allele CA3380904.